The following is an entry in ClinVar:

ClinVar aggregate classification (germline): Uncertain significance (1 of 4 stars; one submission).

Allele frequency attached by ClinVar (database versions not stated): gnomAD exomes below 0.00001.
gnomAD v4.1: 1 of 1,614,132 alleles (0.000062%); highest among the groups gnomAD compares: Non-Finnish European, 0.000085%; no homozygotes.

Submission:

Labcorp Genetics (formerly Invitae), Labcorp
Classification: Uncertain significance. Last evaluated: 2023-10-25. Review status: criteria provided, single submitter. Criteria: Invitae Variant Classification Sherloc (09022015). Collection method: clinical testing. Allele origin: germline.
Comment: This sequence change replaces serine, which is neutral and polar, with glycine, which is neutral and non-polar, at codon 690 of the SMARCA2 protein (p.Ser690Gly). This variant is not present in population databases (gnomAD no frequency). This variant has not been reported in the literature in individuals affected with SMARCA2-related conditions. Advanced modeling of protein sequence and biophysical properties (such as structural, functional, and spatial information, amino acid conservation, physicochemical variation, residue mobility, and thermodynamic stability) performed at Invitae indicates that this missense variant is not expected to disrupt SMARCA2 protein function with a negative predictive value of 95%. In summary, the available evidence is currently insufficient to determine the role of this variant in disease. Therefore, it has been classified as a Variant of Uncertain Significance.

NM_003070.5(SMARCA2):c.2068A>G (p.Ser690Gly)

Gene: SMARCA2 (SWI/SNF related BAF chromatin remodeling complex subunit ATPase 2; plus strand). Cytogenetic location: 9p24.3.
Variant type: single nucleotide variant.
Coding change: c.2068A>G on transcript NM_003070.5 (MANE Select); coding-DNA position 2068, A replaced by G.
Protein change: p.Ser690Gly; replaces serine 690 with glycine.
Molecular consequence: missense variant.
Genome position (GRCh38, 1-based): chr9:2,077,660, A>G. VCF-style: chr9-2077660-A-G. GRCh37 (hg19) VCF-style: chr9-2077660-A-G.
Other names: c.2068A>G, p.Ser690Gly (NM_001289396.2, NM_001289397.2, NM_139045.4); short protein forms S690G.
Identifiers: ClinVar variation 2752562 (VCV002752562.3), dbSNP rs2537321615, ClinGen allele CA372783705.